The following is an entry in ClinVar:

ClinVar aggregate classification (germline): Benign/Likely benign (0 of 4 stars; one submission).

Submission:

ISCA Site 6
Classification: Benign/Likely benign. Review status: no assertion criteria provided. Collection method: clinical testing. Allele origin: unknown. Affected: yes. Observed: 5 variant alleles. Clinical features observed: Developmental delay AND/OR other significant developmental or morphological phenotypes.
Comment: Likely benign (3), Benign (2)

Copy number variation identified through the course of routine clinical cytogenomic testing in postnatal populations, with clinical assertions as classified by the original submitter. For data from the original published study, Kaminsky, et al. 2011 (PubMed 21844811), please see nstd101.

GRCh37/hg19 8p11.21-11.1(chr8:42952655-43388233)x3

Genes: HGSNAT (heparan-alpha-glucosaminide N-acetyltransferase; plus strand), POMK (protein O-mannose kinase; plus strand), POTEA (POTE ankyrin domain family member A (gene/pseudogene); plus strand). Cytogenetic location: 8p11.21-11.1.
Variant type: copy number gain.
Change: copy number 3 (three copies instead of two) of chr8:42,952,655-43,388,233 (435.6 kb, GRCh37 coordinates, 1-based), cytogenetic band 8p11.21-11.1.
Identifiers: ClinVar variation 393948 (VCV000393948.3).